The following is an entry in ClinVar:

NM_001365276.2(TNXB):c.10499G>C (p.Arg3500Pro)

Gene: TNXB (tenascin XB; minus strand). Cytogenetic location: 6p21.33.
Variant type: single nucleotide variant.
Coding change: c.10499G>C on transcript NM_001365276.2 (MANE Select); coding-DNA position 10499, G replaced by C.
Protein change: p.Arg3500Pro; replaces arginine 3500 with proline.
Molecular consequence: missense variant.
Genome position (GRCh38, 1-based): chr6:32,046,282, C>G on the plus strand (G>C on the coding strand, the complement: TNXB is on the minus strand). VCF-style: chr6-32046282-C-G. GRCh37 (hg19) VCF-style: chr6-32014059-C-G.
Other names: c.11240G>C, p.Arg3747Pro (NM_001428335.1); c.10493G>C, p.Arg3498Pro (NM_019105.8); short protein forms R3498P, R3500P, R3747P.
Identifiers: ClinVar variation 3361596 (VCV003361596.1).
Genomic context (GRCh38, chr6:32,046,282, plus strand): 5'-AGCCCGTAGAGCAGAAACTTGTATTTCTTGCCAGGCTCCAGGTCCTCTACGGTGACTGTG[C>G]GCTGGTCTGCGGCCACAGGCACTGCCCTGGGCTGCCCGTCCGTGTCCCTGTACTGGACCA-3'
Protein context (NP_001352205.1, residues 3490-3510): PRAVPVAADQ[Arg3500Pro]TVTVEDLEPG

ClinVar aggregate classification (germline): Uncertain significance (1 of 4 stars; one submission).

Submission:

GeneDx
Classification: Uncertain significance. Last evaluated: 2023-07-24. Review status: criteria provided, single submitter. Criteria: GeneDx Variant Classification Process June 2021. Collection method: clinical testing. Allele origin: germline. Affected: yes.
Comment: Has not been previously published as pathogenic or benign to our knowledge; Not observed at significant frequency in large population cohorts (gnomAD); In silico analysis supports that this missense variant has a deleterious effect on protein structure/function